The following is an entry in ClinVar:

NM_138927.4(SON):c.287A>G (p.Gln96Arg)

Gene: SON (SON DNA and RNA binding protein; plus strand). Cytogenetic location: 21q22.11.
Variant type: single nucleotide variant.
Coding change: c.287A>G on transcript NM_138927.4 (MANE Select); coding-DNA position 287, A replaced by G.
Protein change: p.Gln96Arg; replaces glutamine 96 with arginine.
Molecular consequence: missense variant. On other transcripts: non-coding transcript variant (1), intron variant (1).
Genome position (GRCh38, 1-based): chr21:33,549,518, A>G. VCF-style: chr21-33549518-A-G. GRCh37 (hg19) VCF-style: chr21-34921824-A-G.
Other names: c.287A>G, p.Gln96Arg (NM_001291411.2, NM_001412133.1, NM_032195.3 and 2 more transcripts); c.244+3139A>G (NM_001291412.3); short protein forms Q96R.
Identifiers: ClinVar variation 2662058 (VCV002662058.1), dbSNP rs2517344201, ClinGen allele CA410150496.

ClinVar aggregate classification (germline): Uncertain significance (1 of 4 stars; one submission).

Submission:

GeneDx
Classification: Uncertain significance. Last evaluated: 2023-04-10. Review status: criteria provided, single submitter. Criteria: GeneDx Variant Classification Process June 2021. Collection method: clinical testing. Allele origin: germline. Affected: yes.
Comment: Not observed at significant frequency in large population cohorts (gnomAD); In silico analysis supports that this missense variant does not alter protein structure/function; Has not been previously published as pathogenic or benign to our knowledge